The following is an entry in ClinVar:

NM_004064.5(CDKN1B):c.548C>A (p.Ser183Tyr)

Gene: CDKN1B (cyclin dependent kinase inhibitor 1B; plus strand). Cytogenetic location: 12p13.1.
Variant type: single nucleotide variant.
Coding change: c.548C>A on transcript NM_004064.5 (MANE Select); coding-DNA position 548, C replaced by A.
Protein change: p.Ser183Tyr; replaces serine 183 with tyrosine.
Molecular consequence: missense variant.
Genome position (GRCh38, 1-based): chr12:12,718,897, C>A. VCF-style: chr12-12718897-C-A. GRCh37 (hg19) VCF-style: chr12-12871831-C-A.
Other names: short protein forms S183Y.
Identifiers: ClinVar variation 2053485 (VCV002053485.4), dbSNP rs748924503, ClinGen allele CA6457568.

ClinVar aggregate classification (germline): Uncertain significance (1 of 4 stars; one submission).

Conditions:
Multiple endocrine neoplasia type 4. Also called: MULTIPLE ENDOCRINE NEOPLASIA, TYPE IV. Identifiers: Orphanet 276152, MedGen C1970712, MONDO:0012552, OMIM 610755.

Allele frequency attached by ClinVar (database versions not stated): ExAC 0.00001; gnomAD 0.00001.

Submission:

Labcorp Genetics (formerly Invitae), Labcorp
Classification: Uncertain significance for Multiple endocrine neoplasia type 4. Last evaluated: 2025-10-22. Review status: criteria provided, single submitter. Criteria: Invitae Variant Classification Sherloc (09022015). Collection method: clinical testing. Allele origin: germline.
Comment: This sequence change replaces serine, which is neutral and polar, with tyrosine, which is neutral and polar, at codon 183 of the CDKN1B protein (p.Ser183Tyr). This variant is present in population databases (rs748924503, gnomAD 0.0009%). This variant has not been reported in the literature in individuals affected with CDKN1B-related conditions. ClinVar contains an entry for this variant (Variation ID: 2053485). An algorithm developed to predict the effect of missense changes on protein structure and function (PolyPhen-2) suggests that this variant is likely to be disruptive. In summary, the available evidence is currently insufficient to determine the role of this variant in disease. Therefore, it has been classified as a Variant of Uncertain Significance.